The following is an entry in ClinVar:

NM_000487.6(ARSA):c.937C>T (p.Arg313Ter)

Gene: ARSA (arylsulfatase A; minus strand). Cytogenetic location: 22q13.33.
Variant type: single nucleotide variant.
Coding change: c.937C>T on transcript NM_000487.6 (MANE Select); coding-DNA position 937, C replaced by T.
Protein change: p.Arg313Ter; replaces arginine 313 with a stop codon.
Molecular consequence: nonsense.
Genome position (GRCh38, 1-based): chr22:50,626,196, G>A on the plus strand (C>T on the coding strand, the complement: ARSA is on the minus strand). VCF-style: chr22-50626196-G-A. GRCh37 (hg19) VCF-style: chr22-51064624-G-A.
Other names: NP_000478.3:p.(Arg313Ter); c.937C>T, p.Arg313Ter (NM_001085425.3, NM_001085426.3, NM_001085427.3); c.679C>T, p.Arg227Ter (NM_001085428.3, NM_001362782.2); short protein forms R313*, R227*.
Identifiers: ClinVar variation 434394 (VCV000434394.65), dbSNP rs551472773, ClinGen allele CA325531338.

ClinVar aggregate classification (germline): Pathogenic. Review status: criteria provided, multiple submitters, no conflicts (2 of 4 stars). 11 submissions from 11 submitters: Pathogenic (10). 1 of the submissions does not count toward it. Last evaluated 2026-09-17.

Conditions:
Metachromatic leukodystrophy (MLD). Also called: ARSA DEFICIENCY; CEREBROSIDE SULFATASE DEFICIENCY; Cerebral sclerosis diffuse metachromatic form; Arylsulfatase A Deficiency; SULFATIDE LIPIDOSIS; METACHROMATIC LEUKOENCEPHALOPATHY. Identifiers: Orphanet 512, MedGen C0023522, MONDO:0018868, OMIM 250100.

Allele frequency attached by ClinVar (database versions not stated): TOPMed 0.00002.
gnomAD v4.1: 26 of 1,611,094 alleles (0.0016%); highest among the groups gnomAD compares: Non-Finnish European, 0.0021%; no homozygotes.

Submissions (11):

Laboratory of Experimental Gene Therapy of Hereditary Metabolic Diseases, Research Centre for Medical Genetics
Classification: Pathogenic for Metachromatic leukodystrophy. Last evaluated: 2026-09-17. Review status: criteria provided, single submitter. Criteria: ARSA MLD Assertion Criteria V2 2026 09 18. Collection method: clinical testing. Allele origin: germline. Inheritance: Autosomal recessive inheritance. Affected: yes. Observed: 1 variant allele, 1 compound heterozygote.
Comment: The previously reported Pathogenic classification was reviewed and retained for the accompanying study. External ClinVar record reviewed: VCV000434394.63. Observations from the present referral series were not used to establish pathogenicity.

Natera, Inc.
Classification: Pathogenic for Metachromatic leukodystrophy. Last evaluated: 2025-12-26. Review status: criteria provided, single submitter. Criteria: Natera Variant Classification Schema (03/2026). Collection method: clinical testing. Allele origin: germline.
Comment: The c.937C>T variant in ARSA is a nonsense variant predicted to introduce a stop codon at amino acid 313. This variant is expected to result in nonsense mediated decay, truncation, or a dysfunctional protein product. This variant is rare in the general population with a frequency below the threshold expected for the associated phenotype(s). This variant has been observed in one or more individuals affected with the associated recessive disease, as either homozygous or compound heterozygous with a second variant (PMID: 24001781). Given the available evidence, this variant is classified as Pathogenic.

Labcorp Genetics (formerly Invitae), Labcorp
Classification: Pathogenic for Metachromatic leukodystrophy. Last evaluated: 2024-07-10. Review status: criteria provided, single submitter. Criteria: Invitae Variant Classification Sherloc (09022015). Collection method: clinical testing. Allele origin: germline.
Comment: This sequence change creates a premature translational stop signal (p.Arg313*) in the ARSA gene. It is expected to result in an absent or disrupted protein product. Loss-of-function variants in ARSA are known to be pathogenic (PMID: 8962139, 10477432). This variant is present in population databases (rs551472773, gnomAD 0.003%). This premature translational stop signal has been observed in individual(s) with metachromatic leukodystrophy (PMID: 12809637). This variant is also known as p.Arg311*. ClinVar contains an entry for this variant (Variation ID: 434394). Algorithms developed to predict the effect of sequence changes on RNA splicing suggest that this variant may disrupt the consensus splice site. For these reasons, this variant has been classified as Pathogenic.

CeGaT Center for Human Genetics Tuebingen
Classification: Pathogenic. Last evaluated: 2022-12-01. Review status: criteria provided, single submitter. Criteria: CeGaT Center For Human Genetics Tuebingen Variant Classification Criteria Version 2. Collection method: clinical testing. Allele origin: germline. Affected: yes. Observed: 2 variant alleles.

GeneDx
Classification: Pathogenic. Last evaluated: 2022-03-30. Review status: criteria provided, single submitter. Criteria: GeneDx Variant Classification Process June 2021. Collection method: clinical testing. Allele origin: germline. Affected: yes.
Comment: Nonsense variant predicted to result in protein truncation or nonsense-mediated decay in a gene for which loss-of-function is a known mechanism of disease; Not observed at significant frequency in large population cohorts (gnomAD); This variant is associated with the following publications: (PMID: 24001781, 12809637, 30674982)

Revvity Omics, Revvity
Classification: Pathogenic for Metachromatic leukodystrophy. Last evaluated: 2021-09-07. Review status: criteria provided, single submitter. Criteria: ACMG Guidelines, 2015. Collection method: clinical testing. Allele origin: germline.

Women's Health and Genetics/Laboratory Corporation of America, LabCorp
Classification: Pathogenic for Metachromatic leukodystrophy. Last evaluated: 2019-11-11. Review status: criteria provided, single submitter. Criteria: LabCorp Variant Classification Summary - May 2015. Collection method: clinical testing. Allele origin: germline.
Comment: Variant summary: ARSA c.937C>T (p.Arg313X) results in a premature termination codon, predicted to cause a truncation of the encoded protein or absence of the protein due to nonsense mediated decay, which are commonly known mechanisms for disease. The variant allele was found at a frequency of 1.2e-05 in 242628 control chromosomes (gnomAD). c.937C>T has been reported in the literature in homozygous and compound heterozygous individuals affected with Metachromatic Leukodystrophy (Rafi_2003, Luzi_2013). These data indicate that the variant is likely to be associated with disease. These publications also reported decreased enzyme activity and elevated urinary sulfatide excretion in the patients carrying the variant (Rafi_2003, Luzi_2013). Two ClinVar submissions (evaluation after 2014) cite the variant as pathogenic. Based on the evidence outlined above, the variant was classified as pathogenic.

Centre for Mendelian Genomics, University Medical Centre Ljubljana
Classification: Pathogenic for Metachromatic leukodystrophy. Last evaluated: 2018-10-03. Review status: criteria provided, single submitter. Criteria: ACMG Guidelines, 2015. Collection method: clinical testing. Allele origin: unknown. Affected: yes.
Comment: This variant was classified as: Pathogenic. The following ACMG criteria were applied in classifying this variant: PVS1,PM2,PP5.

Genetic Services Laboratory, University of Chicago
Classification: Pathogenic for Metachromatic leukodystrophy. Last evaluated: 2016-11-02. Review status: criteria provided, single submitter. Criteria: ACMG Guidelines, 2015. Collection method: clinical testing. Allele origin: germline. Affected: yes.

Kasturba Medical College, Manipal, Kasturba Medical College, Manipal, Manipal Academy of Higher Education, Manipal, India
Classification: Pathogenic for Metachromatic leukodystrophy. Review status: criteria provided, single submitter. Criteria: ACMG Guidelines, 2015. Collection method: clinical testing. Allele origin: inherited. Inheritance: Autosomal recessive inheritance. Affected: yes. Observed: 1 compound heterozygote.

Counsyl
Classification: Likely pathogenic for Metachromatic leukodystrophy. Last evaluated: 2014-01-02. Review status: no assertion criteria provided. Collection method: clinical testing. Allele origin: unknown. Not counted in ClinVar's aggregate classification.

Literature cited by the submitters: PubMed 24001781 (cited by 3 submitters); PubMed 8962139 (cited by Labcorp Genetics (formerly Invitae), Labcorp); PubMed 10477432 (cited by Labcorp Genetics (formerly Invitae), Labcorp); PubMed 12809637 (cited by Labcorp Genetics (formerly Invitae), Labcorp and Women's Health and Genetics/Laboratory Corporation of America, LabCorp); PubMed 26462614 (cited by Women's Health and Genetics/Laboratory Corporation of America, LabCorp).